The following is an entry in ClinVar:

ClinVar aggregate classification (germline): Uncertain significance (1 of 4 stars; one submission).

Conditions:
Epilepsy. Also called: Seizure disorder. Identifiers: MedGen C0014544, MeSH D004827, MONDO:0005027.

Allele frequency attached by ClinVar (database versions not stated): gnomAD exomes below 0.00001; gnomAD 0.00002; TOPMed 0.00002.
gnomAD v4.1: 5 of 1,604,080 alleles (0.00031%); highest among the groups gnomAD compares: African/African-American, 0.0053%; no homozygotes.

Submission:

Labcorp Genetics (formerly Invitae), Labcorp
Classification: Uncertain significance for Epilepsy. Last evaluated: 2022-02-12. Review status: criteria provided, single submitter. Criteria: Invitae Variant Classification Sherloc (09022015). Collection method: clinical testing. Allele origin: germline.
Comment: This variant is present in population databases (no rsID available, gnomAD 0.02%). This sequence change replaces leucine, which is neutral and non-polar, with arginine, which is basic and polar, at codon 486 of the PIGQ protein (p.Leu486Arg). This variant has not been reported in the literature in individuals affected with PIGQ-related conditions. In summary, the available evidence is currently insufficient to determine the role of this variant in disease. Therefore, it has been classified as a Variant of Uncertain Significance. Algorithms developed to predict the effect of missense changes on protein structure and function are either unavailable or do not agree on the potential impact of this missense change (SIFT: "Deleterious"; PolyPhen-2: "Benign"; Align-GVGD: "Class C0").

NM_004204.5(PIGQ):c.1457T>G (p.Leu486Arg)

Gene: PIGQ (phosphatidylinositol glycan anchor biosynthesis class Q; plus strand). Cytogenetic location: 16p13.3.
Variant type: single nucleotide variant.
Coding change: c.1457T>G on transcript NM_004204.5 (MANE Select); coding-DNA position 1457, T replaced by G.
Protein change: p.Leu486Arg; replaces leucine 486 with arginine.
Molecular consequence: missense variant.
Genome position (GRCh38, 1-based): chr16:580,898, T>G. VCF-style: chr16-580898-T-G. GRCh37 (hg19) VCF-style: chr16-630898-T-G.
Other names: c.1457T>G, p.Leu486Arg (NM_148920.4); short protein forms L486R.
Identifiers: ClinVar variation 2149844 (VCV002149844.3), dbSNP rs1171403689, ClinGen allele CA394059143.
Genomic context (GRCh38, chr16:580,898, plus strand): 5'-TAAATGCTCCTCTGCCACAGCTCCGGCTCCTGGTGGTCGCCGTGCAGGGCCTGATCCATC[T>G]GCTCGTGGACCTCATCAACTCCCTGCCGCTGTACTCACTGGGTCTTCGGCTCTGCCGGCC-3'
Protein context (NP_004195.2, residues 476-496): LVVAVQGLIH[Leu486Arg]LVDLINSLPL